The following is an entry in ClinVar:

ClinVar aggregate classification (germline): Uncertain significance (1 of 4 stars; one submission).

Conditions:
Methylmalonic acidemia due to transcobalamin receptor defect (MATR). Also called: METHYLMALONIC ACIDEMIA, TCblR TYPE; METHYLMALONIC ACIDURIA, TRANSIENT, DUE TO TRANSCOBALAMIN RECEPTOR DEFECT. Identifiers: Orphanet 280183, MedGen C4749905, MONDO:0013341, OMIM 613646.

Submission:

Labcorp Genetics (formerly Invitae), Labcorp
Classification: Uncertain significance for Methylmalonic acidemia due to transcobalamin receptor defect. Last evaluated: 2024-07-07. Review status: criteria provided, single submitter. Criteria: Invitae Variant Classification Sherloc (09022015). Collection method: clinical testing. Allele origin: germline.
Comment: This sequence change replaces asparagine, which is neutral and polar, with serine, which is neutral and polar, at codon 195 of the CD320 protein (p.Asn195Ser). This variant is not present in population databases (gnomAD no frequency). This variant has not been reported in the literature in individuals affected with CD320-related conditions. Algorithms developed to predict the effect of missense changes on protein structure and function output the following: SIFT: "Not Available"; PolyPhen-2: "Not Available"; Align-GVGD: "Not Available". The serine amino acid residue is found in multiple mammalian species, which suggests that this missense change does not adversely affect protein function. In summary, the available evidence is currently insufficient to determine the role of this variant in disease. Therefore, it has been classified as a Variant of Uncertain Significance.

NM_016579.4(CD320):c.584A>G (p.Asn195Ser)

Gene: CD320 (CD320 molecule; minus strand). Cytogenetic location: 19p13.2.
Variant type: single nucleotide variant.
Coding change: c.584A>G on transcript NM_016579.4 (MANE Select); coding-DNA position 584, A replaced by G.
Protein change: p.Asn195Ser; replaces asparagine 195 with serine.
Molecular consequence: missense variant.
Genome position (GRCh38, 1-based): chr19:8,302,899, T>C on the plus strand (A>G on the coding strand, the complement: CD320 is on the minus strand). VCF-style: chr19-8302899-T-C. GRCh37 (hg19) VCF-style: chr19-8367783-T-C.
Other names: c.458A>G, p.Asn153Ser (NM_001165895.2); short protein forms N153S, N195S.
Identifiers: ClinVar variation 3688727 (VCV003688727.2).
Genomic context (GRCh38, chr19:8,302,899, plus strand): 5'-GTGGCATTCCCGACAGAGGGGACACTCTCCAGGGTCACAGGGGGCCCCATGGTTGTGGCA[T>C]TCCTGAGAGAGGTGACACTCTCCAGGGTCACAGGGGGCCCCATGGTTGTGGCATCCCCTT-3'
Protein context (NP_057663.1, residues 185-205): VTLESVTSLR[Asn195Ser]ATTMGPPVTL